The following is an entry in ClinVar:

NM_198129.4(LAMA3):c.6100A>T (p.Lys2034Ter)

Gene: LAMA3 (laminin subunit alpha 3; plus strand). Cytogenetic location: 18q11.2.
Variant type: single nucleotide variant.
Coding change: c.6100A>T on transcript NM_198129.4 (MANE Select); coding-DNA position 6100, A replaced by T.
Protein change: p.Lys2034Ter; replaces lysine 2034 with a stop codon.
Molecular consequence: nonsense.
Genome position (GRCh38, 1-based): chr18:23,901,222, A>T. VCF-style: chr18-23901222-A-T. GRCh37 (hg19) VCF-style: chr18-21481186-A-T.
Other names: c.1273A>T, p.Lys425Ter (NM_000227.6); c.5932A>T, p.Lys1978Ter (NM_001127717.4); c.1105A>T, p.Lys369Ter (NM_001127718.4); short protein forms K1978*, K2034*, K369*, K425*.
Identifiers: ClinVar variation 1071930 (VCV001071930.7), dbSNP rs2145124301, ClinGen allele CA402048090.

ClinVar aggregate classification (germline): Pathogenic (1 of 4 stars; one submission).

Submission:

Labcorp Genetics (formerly Invitae), Labcorp
Classification: Pathogenic. Last evaluated: 2022-05-31. Review status: criteria provided, single submitter. Criteria: Invitae Variant Classification Sherloc (09022015). Collection method: clinical testing. Allele origin: germline.
Comment: This sequence change creates a premature translational stop signal (p.Lys425*) in the LAMA3 gene. It is expected to result in an absent or disrupted protein product. Loss-of-function variants in LAMA3 are known to be pathogenic (PMID: 10366601, 11810295, 12915477, 16473856, 17362460, 22434185, 23869449, 27827380, 28087116). This variant is not present in population databases (gnomAD no frequency). This variant has not been reported in the literature in individuals affected with LAMA3-related conditions. ClinVar contains an entry for this variant (Variation ID: 1071930). Algorithms developed to predict the effect of sequence changes on RNA splicing suggest that this variant may create or strengthen a splice site. For these reasons, this variant has been classified as Pathogenic.

Literature cited by the submitters: PubMed 10366601; PubMed 11810295; PubMed 12915477; PubMed 16473856; PubMed 17362460; PubMed 22434185; PubMed 23869449; PubMed 27827380; PubMed 28087116.